The following is an entry in ClinVar:

NM_000215.4(JAK3):c.1304C>T (p.Thr435Ile)

Gene: JAK3 (Janus kinase 3; minus strand). Cytogenetic location: 19p13.11.
Variant type: single nucleotide variant.
Coding change: c.1304C>T on transcript NM_000215.4 (MANE Select); coding-DNA position 1304, C replaced by T.
Protein change: p.Thr435Ile; replaces threonine 435 with isoleucine.
Molecular consequence: missense variant.
Genome position (GRCh38, 1-based): chr19:17,839,614, G>A on the plus strand (C>T on the coding strand, the complement: JAK3 is on the minus strand). VCF-style: chr19-17839614-G-A. GRCh37 (hg19) VCF-style: chr19-17950423-G-A.
Other names: short protein forms T435I.
Identifiers: ClinVar variation 2147001 (VCV002147001.1), dbSNP rs199706172, ClinGen allele CA9301922.

ClinVar aggregate classification (germline): Uncertain significance (1 of 4 stars; one submission).

Conditions:
T-B+ severe combined immunodeficiency due to JAK3 deficiency. Also called: SCID, autosomal recessive, T-negative/B-positive type; SCID, T CELL-NEGATIVE, B CELL-POSITIVE, NK CELL-NEGATIVE. Identifiers: Orphanet 35078, MedGen C1833275, MONDO:0010938, OMIM 600802.

Allele frequency attached by ClinVar (database versions not stated): gnomAD 0.00002; gnomAD exomes 0.00004; TOPMed 0.00004; ExAC 0.00005; ESP Exome Variant Server 0.00008.
gnomAD v4.1: 66 of 1,612,400 alleles (0.0041%); highest among the groups gnomAD compares: Non-Finnish European, 0.0053%; no homozygotes.

Submission:

Labcorp Genetics (formerly Invitae), Labcorp
Classification: Uncertain significance for T-B+ severe combined immunodeficiency due to JAK3 deficiency. Last evaluated: 2022-06-19. Review status: criteria provided, single submitter. Criteria: Invitae Variant Classification Sherloc (09022015). Collection method: clinical testing. Allele origin: germline.
Comment: This sequence change replaces threonine, which is neutral and polar, with isoleucine, which is neutral and non-polar, at codon 435 of the JAK3 protein (p.Thr435Ile). This variant is present in population databases (rs199706172, gnomAD 0.007%). This variant has not been reported in the literature in individuals affected with JAK3-related conditions. Advanced modeling of protein sequence and biophysical properties (such as structural, functional, and spatial information, amino acid conservation, physicochemical variation, residue mobility, and thermodynamic stability) performed at Invitae indicates that this missense variant is not expected to disrupt JAK3 protein function. In summary, the available evidence is currently insufficient to determine the role of this variant in disease. Therefore, it has been classified as a Variant of Uncertain Significance.